The following is an entry in ClinVar:

ClinVar aggregate classification (germline): Uncertain significance. Review status: criteria provided, multiple submitters, no conflicts (2 of 4 stars). 2 submissions from 2 submitters: Uncertain significance (2). Last evaluated 2023-11-10.

Conditions:
Isolated microphthalmia 8. Identifiers: Orphanet 2542, MedGen C3554524, MONDO:0014050, OMIM 615113.

Allele frequency attached by ClinVar (database versions not stated): ExAC 0.00001; gnomAD 0.00002; TOPMed 0.00003.
gnomAD v4.1: 19 of 1,613,968 alleles (0.0012%); highest among the groups gnomAD compares: Admixed American, 0.0033%; no homozygotes.

Submissions (2):

Revvity Omics, Revvity
Classification: Uncertain significance for Isolated microphthalmia 8. Last evaluated: 2023-11-10. Review status: criteria provided, single submitter. Criteria: ACMG Guidelines, 2015. Collection method: clinical testing. Allele origin: germline.

Juno Genomics, Hangzhou Juno Genomics, Inc
Classification: Uncertain significance for Isolated microphthalmia 8. Review status: criteria provided, single submitter. Criteria: ACMG Guidelines, 2015. Collection method: clinical testing. Allele origin: germline.
Comment: Absent from controls (or at extremely low frequency if recessive) in Genome Aggregation Database.;Multiple lines of computational evidence support a deleterious effect on the gene or gene product.

NM_000693.4(ALDH1A3):c.865G>A (p.Val289Met)

Genes: ALDH1A3-AS1 (ALDH1A3 antisense RNA 1; minus strand), ALDH1A3 (aldehyde dehydrogenase 1 family member A3; plus strand). Cytogenetic location: 15q26.3.
Variant type: single nucleotide variant.
Coding change: c.865G>A on transcript NM_000693.4 (MANE Select); coding-DNA position 865, G replaced by A.
Protein change: p.Val289Met; replaces valine 289 with methionine.
Molecular consequence: missense variant.
Genome position (GRCh38, 1-based): chr15:100,898,167, G>A. VCF-style: chr15-100898167-G-A. GRCh37 (hg19) VCF-style: chr15-101438372-G-A.
Other names: c.544G>A, p.Val182Met (NM_001293815.2); short protein forms V182M, V289M.
Identifiers: ClinVar variation 2690875 (VCV002690875.4), dbSNP rs746016250, ClinGen allele CA7760231.
Genomic context (GRCh38, chr15:100,898,167, plus strand): 5'-GCGTCCCGGAGCAATCTGAAGCGGGTGACGCTGGAGCTGGGGGGGAAGAACCCCTGCATC[G>A]TGTGTGCGGACGCTGACTGTGAGTCTCTGCCCTCCTGGGCTTTGCTGGGGCTTCAGGGCA-3'
Protein context (NP_000684.2, residues 279-299): LELGGKNPCI[Val289Met]CADADLDLAV